The following is an entry in ClinVar:

NM_001040142.2(SCN2A):c.4021C>G (p.Leu1341Val)

Gene: SCN2A (sodium voltage-gated channel alpha subunit 2; plus strand). Cytogenetic location: 2q24.3.
Variant type: single nucleotide variant.
Coding change: c.4021C>G on transcript NM_001040142.2 (MANE Select); coding-DNA position 4021, C replaced by G.
Protein change: p.Leu1341Val; replaces leucine 1341 with valine.
Molecular consequence: missense variant.
Genome position (GRCh38, 1-based): chr2:165,374,733, C>G. VCF-style: chr2-165374733-C-G. GRCh37 (hg19) VCF-style: chr2-166231243-C-G.
Other names: c.4021C>G, p.Leu1341Val (NM_001040143.2, NM_001371246.1, NM_001371247.1 and 1 more transcripts); short protein forms L1341V.
Identifiers: ClinVar variation 2944888 (VCV002944888.3), dbSNP rs2468102212, ClinGen allele CA349030328.

ClinVar aggregate classification (germline): Uncertain significance (1 of 4 stars; one submission).

Conditions:
Seizures, benign familial infantile, 3 (BFIS3). Also called: CONVULSIONS, BENIGN FAMILIAL INFANTILE, 3; Familial neonatal seizures. Identifiers: Orphanet 140927, Orphanet 306, MedGen C1843140, MONDO:0011904, OMIM 607745.
Developmental and epileptic encephalopathy, 11 (DEE11). Also called: Early infantile epileptic encephalopathy 11. Identifiers: Orphanet 1934, MedGen C3150987, MONDO:0013388, OMIM 613721.

Submission:

Labcorp Genetics (formerly Invitae), Labcorp
Classification: Uncertain significance for Seizures, benign familial infantile, 3; Developmental and epileptic encephalopathy, 11. Last evaluated: 2023-04-26. Review status: criteria provided, single submitter. Criteria: Invitae Variant Classification Sherloc (09022015). Collection method: clinical testing. Allele origin: germline.
Comment: In summary, the available evidence is currently insufficient to determine the role of this variant in disease. Therefore, it has been classified as a Variant of Uncertain Significance. Advanced modeling of protein sequence and biophysical properties (such as structural, functional, and spatial information, amino acid conservation, physicochemical variation, residue mobility, and thermodynamic stability) performed at Invitae indicates that this missense variant is expected to disrupt SCN2A protein function. This variant has not been reported in the literature in individuals affected with SCN2A-related conditions. This variant is not present in population databases (gnomAD no frequency). This sequence change replaces leucine, which is neutral and non-polar, with valine, which is neutral and non-polar, at codon 1341 of the SCN2A protein (p.Leu1341Val).